The following is an entry in ClinVar:

ClinVar aggregate classification (germline): Uncertain significance. Review status: criteria provided, multiple submitters, no conflicts (2 of 4 stars). 2 submissions from 2 submitters: Uncertain significance (2). Last evaluated 2025-08-02.

Conditions:
Inborn genetic diseases. Identifiers: MedGen C0950123, MeSH D030342.

Submissions (2):

Ambry Genetics
Classification: Uncertain significance for Inborn genetic diseases. Last evaluated: 2025-08-02. Review status: criteria provided, single submitter. Criteria: Ambry Variant Classification Scheme 2023. Collection method: clinical testing. Allele origin: germline.

Women's Health and Genetics/Laboratory Corporation of America, LabCorp
Classification: Uncertain significance. Last evaluated: 2023-06-19. Review status: criteria provided, single submitter. Criteria: LabCorp Variant Classification Summary - May 2015. Collection method: clinical testing. Allele origin: germline.
Comment: Variant summary: KDM3B c.3761C>G (p.Pro1254Arg) results in a non-conservative amino acid change in the encoded protein sequence. Four of five in-silico tools predict a damaging effect of the variant on protein function. The variant was absent in 251460 control chromosomes. The available data on variant occurrences in the general population are insufficient to allow any conclusion about variant significance. To our knowledge, no occurrence of c.3761C>G in individuals affected with KDM3B-Related Disorders and no experimental evidence demonstrating its impact on protein function have been reported. No submitters have cited clinical-significance assessments for this variant to ClinVar after 2014. Based on the evidence outlined above, the variant was classified as uncertain significance.

NM_016604.4(KDM3B):c.3761C>G (p.Pro1254Arg)

Gene: KDM3B (lysine demethylase 3B; plus strand). Cytogenetic location: 5q31.2.
Variant type: single nucleotide variant.
Coding change: c.3761C>G on transcript NM_016604.4 (MANE Select); coding-DNA position 3761, C replaced by G.
Protein change: p.Pro1254Arg; replaces proline 1254 with arginine.
Molecular consequence: missense variant.
Genome position (GRCh38, 1-based): chr5:138,420,751, C>G. VCF-style: chr5-138420751-C-G. GRCh37 (hg19) VCF-style: chr5-137756440-C-G.
Other names: short protein forms P1254R.
Identifiers: ClinVar variation 2573588 (VCV002573588.2), dbSNP rs2480299782, ClinGen allele CA361089885.